The following is an entry in ClinVar:

NM_014014.5(SNRNP200):c.1148G>A (p.Arg383His)

Gene: SNRNP200 (small nuclear ribonucleoprotein U5 subunit 200; minus strand). Cytogenetic location: 2q11.2.
Variant type: single nucleotide variant.
Coding change: c.1148G>A on transcript NM_014014.5 (MANE Select); coding-DNA position 1148, G replaced by A.
Protein change: p.Arg383His; replaces arginine 383 with histidine.
Molecular consequence: missense variant.
Genome position (GRCh38, 1-based): chr2:96,297,692, C>T on the plus strand (G>A on the coding strand, the complement: SNRNP200 is on the minus strand). VCF-style: chr2-96297692-C-T. GRCh37 (hg19) VCF-style: chr2-96963430-C-T.
Other names: short protein forms R383H.
Identifiers: ClinVar variation 337558 (VCV000337558.14), dbSNP rs536493402, ClinGen allele CA1778990.

ClinVar aggregate classification (germline): Conflicting classifications of pathogenicity. Review status: criteria provided, conflicting classifications (1 of 4 stars). 5 submissions from 5 submitters: Uncertain significance (4); Likely benign (1). Last evaluated 2026-02-01.

Conditions:
SNRNP200-related disorder. Also called: SNRNP200-related condition.
Inborn genetic diseases. Identifiers: MedGen C0950123, MeSH D030342.
Retinal dystrophy. Also called: Inherited retinal dystrophy. Identifiers: HP:0000556, Orphanet 71862, MedGen C0854723, MeSH D058499, MONDO:0019118.
Retinitis pigmentosa (RP). Identifiers: Orphanet 791, MedGen C0035334, MeSH D012174, MONDO:0019200, OMIM 268000. Inheritance: Autosomal dominant, autosomal recessive and X linked inheritance.

Allele frequency attached by ClinVar (database versions not stated): gnomAD 0.00001 and 0.00002; gnomAD exomes 0.00002; ExAC 0.00004; TOPMed 0.00006; 1000 Genomes Project 0.00020; 1000 Genomes Project 30x 0.00031.
gnomAD v4.1: 37 of 1,614,232 alleles (0.0023%); highest among the groups gnomAD compares: African/African-American, 0.0067%; no homozygotes.

Submissions (5):

Labcorp Genetics (formerly Invitae), Labcorp
Classification: Likely benign. Last evaluated: 2026-02-01. Review status: criteria provided, single submitter. Criteria: Invitae Variant Classification Sherloc (09022015). Collection method: clinical testing. Allele origin: germline.

PreventionGenetics, part of Exact Sciences
Classification: Uncertain significance for SNRNP200-related condition. Last evaluated: 2025-07-22. Review status: criteria provided, single submitter. Criteria: ACMG Guidelines, 2015. Collection method: clinical testing. Allele origin: germline.
Comment: The SNRNP200 c.1148G>A variant is predicted to result in the amino acid substitution p.Arg383His. To our knowledge, this variant has not been reported in the literature. This variant is reported in 0.0080% of alleles in individuals of African descent in gnomAD. At this time, the clinical significance of this variant is uncertain due to the absence of conclusive functional and genetic evidence.

Dept Of Ophthalmology, Nagoya University
Classification: Uncertain significance for Retinal dystrophy. Last evaluated: 2023-10-01. Review status: criteria provided, single submitter. Criteria: Submitter's publication. Collection method: research. Allele origin: germline. Affected: yes.

Ambry Genetics
Classification: Uncertain significance for Inborn genetic diseases. Last evaluated: 2021-08-12. Review status: criteria provided, single submitter. Criteria: Ambry Variant Classification Scheme 2023. Collection method: clinical testing. Allele origin: germline.

Illumina Laboratory Services, Illumina
Classification: Uncertain significance for Retinitis pigmentosa. Last evaluated: 2018-01-13. Review status: criteria provided, single submitter. Criteria: ICSL Variant Classification Criteria 13 December 2019. Collection method: clinical testing. Allele origin: germline.